The following is an entry in ClinVar:

ClinVar aggregate classification (germline): Uncertain significance (1 of 4 stars; one submission).

Conditions:
Parkinson disease 17 (PARK17). Also called: VPS35-Related Parkinson Disease. Identifiers: Orphanet 411602, MedGen C3280133, MONDO:0013625, OMIM 614203.

Submission:

Labcorp Genetics (formerly Invitae), Labcorp
Classification: Uncertain significance for Parkinson disease 17. Last evaluated: 2024-07-24. Review status: criteria provided, single submitter. Criteria: Invitae Variant Classification Sherloc (09022015). Collection method: clinical testing. Allele origin: germline.
Comment: This sequence change falls in intron 1 of the VPS35 gene. It does not directly change the encoded amino acid sequence of the VPS35 protein. This variant is not present in population databases (gnomAD no frequency). This variant has not been reported in the literature in individuals affected with VPS35-related conditions. Experimental studies and prediction algorithms are not available or were not evaluated, and the effect of this variant on mRNA splicing is currently unknown. In summary, the available evidence is currently insufficient to determine the role of this variant in disease. Therefore, it has been classified as a Variant of Uncertain Significance.

NM_018206.6(VPS35):c.3+16_3+31del

Gene: VPS35 (VPS35 retromer complex component; minus strand). Cytogenetic location: 16q11.2.
Variant type: Deletion.
Coding change: c.3+16_3+31del on transcript NM_018206.6 (MANE Select); bases 16 to 31 of the intron after coding-DNA position 3, 16 bases deleted (GCAGTGGCACCTGGGT).
Molecular consequence: intron variant.
Genome position (GRCh38, 1-based): chr16:46,689,100-46,689,115, ACCCAGGTGCCACTGC deleted on the plus strand (GCAGTGGCACCTGGGT on the coding strand, the reverse complement: VPS35 is on the minus strand). VCF-style (leftmost placement, unchanged base first): chr16-46689099-GACCCAGGTGCCACTGC-G. GRCh37 (hg19) VCF-style: chr16-46723011-GACCCAGGTGCCACTGC-G.
Identifiers: ClinVar variation 3660456 (VCV003660456.2).